The following is an entry in ClinVar:

ClinVar aggregate classification (germline): Uncertain significance (1 of 4 stars; one submission).

Conditions:
Hajdu-Cheney syndrome (HJCYS). Also called: Acroosteolysis dominant type; ACROOSTEOLYSIS WITH OSTEOPOROSIS AND CHANGES IN SKULL AND MANDIBLE; SERPENTINE FIBULA-POLYCYSTIC KIDNEY SYNDROME. Identifiers: Orphanet 955, MedGen C0917715, MONDO:0007057, OMIM 102500.

Submission:

Labcorp Genetics (formerly Invitae), Labcorp
Classification: Uncertain significance for Hajdu-Cheney syndrome. Last evaluated: 2025-07-09. Review status: criteria provided, single submitter. Criteria: Invitae Variant Classification Sherloc (09022015). Collection method: clinical testing. Allele origin: germline.
Comment: This sequence change replaces glycine, which is neutral and non-polar, with valine, which is neutral and non-polar, at codon 1545 of the NOTCH2 protein (p.Gly1545Val). This variant is not present in population databases (gnomAD no frequency). This variant has not been reported in the literature in individuals affected with NOTCH2-related conditions. Invitae Evidence Modeling of protein sequence and biophysical properties (such as structural, functional, and spatial information, amino acid conservation, physicochemical variation, residue mobility, and thermodynamic stability) indicates that this missense variant is not expected to disrupt NOTCH2 protein function with a negative predictive value of 80%. In summary, the available evidence is currently insufficient to determine the role of this variant in disease. Therefore, it has been classified as a Variant of Uncertain Significance.

NM_024408.4(NOTCH2):c.4634G>T (p.Gly1545Val)

Gene: NOTCH2 (notch receptor 2; minus strand). Cytogenetic location: 1p12.
Variant type: single nucleotide variant.
Coding change: c.4634G>T on transcript NM_024408.4 (MANE Select); coding-DNA position 4634, G replaced by T.
Protein change: p.Gly1545Val; replaces glycine 1545 with valine.
Molecular consequence: missense variant.
Genome position (GRCh38, 1-based): chr1:119,923,862, C>A on the plus strand (G>T on the coding strand, the complement: NOTCH2 is on the minus strand). VCF-style: chr1-119923862-C-A. GRCh37 (hg19) VCF-style: chr1-120466485-C-A.
Other names: short protein forms G1545V.
Identifiers: ClinVar variation 4742374 (VCV004742374.1).